The following is an entry in ClinVar:

NM_020771.4(HACE1):c.1990C>T (p.Arg664Ter)

Gene: HACE1 (HECT domain and ankyrin repeat containing E3 ubiquitin protein ligase 1; minus strand). Cytogenetic location: 6q16.3.
Variant type: single nucleotide variant.
Coding change: c.1990C>T on transcript NM_020771.4 (MANE Select); coding-DNA position 1990, C replaced by T.
Protein change: p.Arg664Ter; replaces arginine 664 with a stop codon.
Molecular consequence: nonsense. On other transcripts: non-coding transcript variant (7).
Genome position (GRCh38, 1-based): chr6:104,771,949, G>A on the plus strand (C>T on the coding strand, the complement: HACE1 is on the minus strand). VCF-style: chr6-104771949-G-A. GRCh37 (hg19) VCF-style: chr6-105219824-G-A.
Other names: c.1858C>T, p.Arg620Ter (NM_001321080.2); c.1888C>T, p.Arg630Ter (NM_001321083.2); c.1486C>T, p.Arg496Ter (NM_001321084.2, NM_001350557.2, NM_001350558.2); c.1756C>T, p.Arg586Ter (NM_001350554.2); c.1699C>T, p.Arg567Ter (NM_001350555.2); c.1504C>T, p.Arg502Ter (NM_001350556.2); c.1408C>T, p.Arg470Ter (NM_001350559.2); c.1207C>T, p.Arg403Ter (NM_001350560.2); short protein forms R664*, R403*, R496*, R586*, R630*, R470*, R502*, R567*.
Identifiers: ClinVar variation 523851 (VCV000523851.6), dbSNP rs761703540, ClinGen allele CA3940120.

ClinVar aggregate classification (germline): Conflicting classifications of pathogenicity. Review status: criteria provided, conflicting classifications (1 of 4 stars). 3 submissions from 3 submitters: Pathogenic (2); Uncertain significance (1). Last evaluated 2024-03-26.

Conditions:
Spastic paraplegia-severe developmental delay-epilepsy syndrome. Also called: Spastic paraplegia and psychomotor retardation with or without seizures. Identifiers: Orphanet 464282, MedGen C4225215, MONDO:0014764, OMIM 616756.

Allele frequency attached by ClinVar (database versions not stated): gnomAD 0.00001; gnomAD exomes 0.00001; ExAC 0.00002.
gnomAD v4.1: 8 of 1,605,210 alleles (0.0005%); highest among the groups gnomAD compares: East Asian, 0.0045%; no homozygotes.

Submissions (3):

Genomic Medicine Center of Excellence, King Faisal Specialist Hospital and Research Centre
Classification: Uncertain significance for Spastic paraplegia-severe developmental delay-epilepsy syndrome. Last evaluated: 2024-03-26. Review status: criteria provided, single submitter. Criteria: ACMG Guidelines, 2015. Collection method: clinical testing. Allele origin: germline.

Labcorp Genetics (formerly Invitae), Labcorp
Classification: Pathogenic. Last evaluated: 2023-03-06. Review status: criteria provided, single submitter. Criteria: Invitae Variant Classification Sherloc (09022015). Collection method: clinical testing. Allele origin: germline.
Comment: This sequence change creates a premature translational stop signal (p.Arg664*) in the HACE1 gene. It is expected to result in an absent or disrupted protein product. Loss-of-function variants in HACE1 are known to be pathogenic (PMID: 26424145, 26437029). This variant is present in population databases (rs761703540, gnomAD 0.01%). This premature translational stop signal has been observed in individual(s) with spastic paraplegia (PMID: 30202406). ClinVar contains an entry for this variant (Variation ID: 523851). For these reasons, this variant has been classified as Pathogenic.

GeneDx
Classification: Pathogenic. Last evaluated: 2018-04-04. Review status: criteria provided, single submitter. Criteria: GeneDx Variant Classification (06012015). Collection method: clinical testing. Allele origin: germline. Affected: yes.
Comment: The R664X variant in the HACE1 gene has not been reported previously as a pathogenic variant nor as a benign variant, to our knowledge. This variant is predicted to cause loss of normal protein function either through protein truncation or nonsense-mediated mRNA decay. Although not observed as homozygous, the R664X variant is observed in 2/17226 (0.01%) alleles from individuals of East Asian background and 3/246154 (0.001%) total alleles in large population cohorts (Lek et al., 2016). We interpret R664X as a pathogenic variant.

Literature cited by the submitters: PubMed 26424145 (cited by Labcorp Genetics (formerly Invitae), Labcorp); PubMed 26437029 (cited by Labcorp Genetics (formerly Invitae), Labcorp); PubMed 30202406 (cited by Labcorp Genetics (formerly Invitae), Labcorp).